The following is an entry in ClinVar:

ClinVar aggregate classification (germline): Uncertain significance (1 of 4 stars; one submission).

Submission:

Labcorp Genetics (formerly Invitae), Labcorp
Classification: Uncertain significance. Last evaluated: 2022-03-18. Review status: criteria provided, single submitter. Criteria: Invitae Variant Classification Sherloc (09022015). Collection method: clinical testing. Allele origin: germline.
Comment: This sequence change replaces leucine, which is neutral and non-polar, with phenylalanine, which is neutral and non-polar, at codon 768 of the SPEG protein (p.Leu768Phe). The frequency data for this variant in the population databases is considered unreliable, as metrics indicate poor data quality at this position in the gnomAD database. This variant has not been reported in the literature in individuals affected with SPEG-related conditions. Algorithms developed to predict the effect of missense changes on protein structure and function (SIFT, PolyPhen-2, Align-GVGD) all suggest that this variant is likely to be tolerated. In summary, the available evidence is currently insufficient to determine the role of this variant in disease. Therefore, it has been classified as a Variant of Uncertain Significance.

NM_005876.5(SPEG):c.2302C>T (p.Leu768Phe)

Gene: SPEG (striated muscle enriched protein kinase; plus strand). Cytogenetic location: 2q35.
Variant type: single nucleotide variant.
Coding change: c.2302C>T on transcript NM_005876.5 (MANE Select); coding-DNA position 2302, C replaced by T.
Protein change: p.Leu768Phe; replaces leucine 768 with phenylalanine.
Molecular consequence: missense variant.
Genome position (GRCh38, 1-based): chr2:219,451,669, C>T. VCF-style: chr2-219451669-C-T. GRCh37 (hg19) VCF-style: chr2-220316391-C-T.
Other names: short protein forms L768F.
Identifiers: ClinVar variation 1949381 (VCV001949381.2), dbSNP rs1401878789, ClinGen allele CA350730446.